The following is an entry in ClinVar:

ClinVar aggregate classification (germline): Conflicting classifications of pathogenicity. Review status: criteria provided, conflicting classifications (1 of 4 stars). 5 submissions from 5 submitters: Uncertain significance (1); Likely benign (4). Last evaluated 2026-01-25.

Conditions:
Walker-Warburg congenital muscular dystrophy. Also called: Muscular dystrophy-dystroglycanopathy, type A; Walker-Warburg syndrome. Identifiers: Orphanet 899, MedGen C0265221, MONDO:0000171.
FKRP-related disorder. Also called: FKRP-related condition.
Cardiovascular phenotype. Identifiers: MedGen CN230736.

Allele frequency attached by ClinVar (database versions not stated): TOPMed 0.00009; gnomAD 0.00014 and 0.00015.
gnomAD v4.1: 34 of 1,521,810 alleles (0.0022%); highest among the groups gnomAD compares: Admixed American, 0.049%; no homozygotes.

Submissions (5):

Labcorp Genetics (formerly Invitae), Labcorp
Classification: Likely benign for Walker-Warburg congenital muscular dystrophy. Last evaluated: 2026-01-25. Review status: criteria provided, single submitter. Criteria: Invitae Variant Classification Sherloc (09022015). Collection method: clinical testing. Allele origin: germline.

PreventionGenetics, part of Exact Sciences
Classification: Likely benign for FKRP-related condition. Last evaluated: 2025-06-03. Review status: criteria provided, single submitter. Criteria: ACMG Guidelines, 2015. Collection method: clinical testing. Allele origin: germline.
Comment: This variant is classified as likely benign based on ACMG/AMP sequence variant interpretation guidelines (Richards et al. 2015 PMID: 25741868, with internal and published modifications).

Ambry Genetics
Classification: Likely benign for Cardiovascular phenotype. Last evaluated: 2021-07-14. Review status: criteria provided, single submitter. Criteria: Ambry Variant Classification Scheme 2023. Collection method: clinical testing. Allele origin: germline.

Athena Diagnostics
Classification: Likely benign. Last evaluated: 2017-09-12. Review status: criteria provided, single submitter. Criteria: Athena Diagnostics Criteria. Collection method: clinical testing. Allele origin: germline.

Eurofins Ntd Llc (ga)
Classification: Uncertain significance. Last evaluated: 2017-02-24. Review status: criteria provided, single submitter. Criteria: EGL Classification Definitions 2015. Collection method: clinical testing. Allele origin: germline. Observed: 1 variant allele, 1 heterozygote.

NM_024301.5(FKRP):c.336C>T (p.Ala112=)

Gene: FKRP (fukutin related protein; plus strand). Cytogenetic location: 19q13.32.
Variant type: single nucleotide variant.
Coding change: c.336C>T on transcript NM_024301.5 (MANE Select); coding-DNA position 336, C replaced by T.
Protein change: p.Ala112=; no amino-acid change (alanine 112 retained).
Molecular consequence: synonymous variant.
Genome position (GRCh38, 1-based): chr19:46,755,786, C>T. VCF-style: chr19-46755786-C-T. GRCh37 (hg19) VCF-style: chr19-47259043-C-T.
Other names: c.336C>T, p.Ala112= (NM_001039885.3).
Identifiers: ClinVar variation 500536 (VCV000500536.19), dbSNP rs1054339656, ClinGen allele CA309099249.
Genomic context (GRCh38, chr19:46,755,786, plus strand): 5'-CCTGCCCCGCATCCCCAACGTGCGTCTGGCGCTGCTCCAGCCCGCCCTGGACCGGCCAGC[C>T]GCAGCCTCGCGCCCGGAGACCTACGTGGCCACCGAGTTTGTGGCCCTAGTACCTGATGGG-3'
Protein context (NP_077277.1, residues 102-122): ALLQPALDRP[Ala112=]AASRPETYVA